The following is an entry in ClinVar:

NM_199420.4(POLQ):c.5453C>T (p.Ala1818Val)

Gene: POLQ (DNA polymerase theta; minus strand). Cytogenetic location: 3q13.33.
Variant type: single nucleotide variant.
Coding change: c.5453C>T on transcript NM_199420.4 (MANE Select); coding-DNA position 5453, C replaced by T.
Protein change: p.Ala1818Val; replaces alanine 1818 with valine.
Molecular consequence: missense variant.
Genome position (GRCh38, 1-based): chr3:121,487,478, G>A on the plus strand (C>T on the coding strand, the complement: POLQ is on the minus strand). VCF-style: chr3-121487478-G-A. GRCh37 (hg19) VCF-style: chr3-121206325-G-A.
Other names: short protein forms A1818V.
Identifiers: ClinVar variation 2497183 (VCV002497183.2), dbSNP rs2546784727, ClinGen allele CA354090150.
Genomic context (GRCh38, chr3:121,487,478, plus strand): 5'-TGGAAAAGATTTTGGTCACTTGCTACATCAATTATGGACAAACTTTCTGAACTGCTTGAG[G>A]CTGGAGTTAACTGTAATCCATCCTGTGATAACTGAAGTGAAAAGCTTGTGTCACTAATAG-3'
Protein context (NP_955452.3, residues 1808-1828): LSQDGLQLTP[Ala1818Val]SSSSESLSII

ClinVar aggregate classification (germline): Uncertain significance (1 of 4 stars; one submission).

Allele frequency attached by ClinVar (database versions not stated): gnomAD exomes below 0.00001.
gnomAD v4.1: 1 of 1,614,066 alleles (0.000062%); highest among the groups gnomAD compares: Middle Eastern, 0.017%; no homozygotes.

Submission:

Ambry Genetics
Classification: Uncertain significance. Last evaluated: 2022-11-23. Review status: criteria provided, single submitter. Criteria: Ambry Variant Classification Scheme 2023. Collection method: clinical testing. Allele origin: germline.
Comment: The p.A1818V variant (also known as c.5453C>T), located in coding exon 16 of the POLQ gene, results from a C to T substitution at nucleotide position 5453. The alanine at codon 1818 is replaced by valine, an amino acid with similar properties. This amino acid position is conserved. In addition, this alteration is predicted to be tolerated by in silico analysis. Since supporting evidence is limited at this time, the clinical significance of this alteration remains unclear.